The following is an entry in ClinVar:

ClinVar aggregate classification (germline): Uncertain significance. Review status: criteria provided, multiple submitters, no conflicts (2 of 4 stars). 3 submissions from 3 submitters: Uncertain significance (3). Last evaluated 2024-09-16.

Conditions:
Mismatch repair cancer syndrome 4. Identifiers: MedGen C5436817, MONDO:0030843, OMIM 619101.
Lynch syndrome 4 (LYNCH4). Also called: Colorectal cancer, hereditary nonpolyposis, type 4; Hereditary non-polyposis colorectal cancer, type 4. Identifiers: Orphanet 144, MedGen C1838333, MONDO:0013699, OMIM 614337. Disease mechanism: loss of function.
Hereditary nonpolyposis colorectal neoplasms. Identifiers: MedGen C0009405, MeSH D003123.
Hereditary cancer-predisposing syndrome. Also called: Hereditary neoplastic syndrome; Hereditary Cancer Syndrome; Neoplastic Syndromes, Hereditary; Tumor predisposition. Identifiers: Orphanet 140162, MedGen C0027672, MeSH D009386, MONDO:0015356.

Allele frequency attached by ClinVar (database versions not stated): TOPMed below 0.00001.

Submissions (3):

Ambry Genetics
Classification: Uncertain significance for Hereditary cancer-predisposing syndrome. Last evaluated: 2024-09-16. Review status: criteria provided, single submitter. Criteria: Ambry Variant Classification Scheme 2023. Collection method: clinical testing. Allele origin: germline.
Comment: The p.M387L variant (also known as c.1159A>C), located in coding exon 11 of the PMS2 gene, results from an A to C substitution at nucleotide position 1159. The methionine at codon 387 is replaced by leucine, an amino acid with highly similar properties. This amino acid position is poorly conserved in available vertebrate species. In addition, this alteration is predicted to be tolerated by in silico analysis. Since supporting evidence is limited at this time, the clinical significance of this alteration remains unclear.

Labcorp Genetics (formerly Invitae), Labcorp
Classification: Uncertain significance for Hereditary nonpolyposis colorectal neoplasms. Last evaluated: 2023-12-22. Review status: criteria provided, single submitter. Criteria: Invitae Variant Classification Sherloc (09022015). Collection method: clinical testing. Allele origin: germline.
Comment: This sequence change replaces methionine, which is neutral and non-polar, with leucine, which is neutral and non-polar, at codon 387 of the PMS2 protein (p.Met387Leu). This variant is not present in population databases (gnomAD no frequency). This variant has not been reported in the literature in individuals affected with PMS2-related conditions. ClinVar contains an entry for this variant (Variation ID: 230193). Advanced modeling of protein sequence and biophysical properties (such as structural, functional, and spatial information, amino acid conservation, physicochemical variation, residue mobility, and thermodynamic stability) performed at Invitae indicates that this missense variant is not expected to disrupt PMS2 protein function with a negative predictive value of 80%. In summary, the available evidence is currently insufficient to determine the role of this variant in disease. Therefore, it has been classified as a Variant of Uncertain Significance.

Department of Pathology and Laboratory Medicine, Sinai Health System
Classification: Uncertain significance for Lynch syndrome 4; Mismatch repair cancer syndrome 4. Last evaluated: 2020-11-03. Review status: criteria provided, single submitter. Criteria: ACMG Guidelines, 2015. Collection method: clinical testing. Allele origin: germline. Affected: yes.

NM_000535.7(PMS2):c.1159A>C (p.Met387Leu)

Gene: PMS2 (PMS1 homolog 2, mismatch repair system component; minus strand). Cytogenetic location: 7p22.1.
Variant type: single nucleotide variant.
Coding change: c.1159A>C on transcript NM_000535.7 (MANE Select); coding-DNA position 1159, A replaced by C.
Protein change: p.Met387Leu; replaces methionine 387 with leucine.
Molecular consequence: missense variant. On other transcripts: non-coding transcript variant (1).
Genome position (GRCh38, 1-based): chr7:5,987,606, T>G on the plus strand (A>C on the coding strand, the complement: PMS2 is on the minus strand). VCF-style: chr7-5987606-T-G. GRCh37 (hg19) VCF-style: chr7-6027237-T-G.
Other names: c.754A>C, p.Met252Leu (NM_001322003.2, NM_001322004.2, NM_001322005.2 and 1 more transcripts); c.1003A>C, p.Met335Leu (NM_001322006.2); c.841A>C, p.Met281Leu (NM_001322007.2, NM_001322008.2); c.598A>C, p.Met200Leu (NM_001322010.2); c.226A>C, p.Met76Leu (NM_001322011.2, NM_001322012.2); c.586A>C, p.Met196Leu (NM_001322013.2); c.1159A>C, p.Met387Leu (NM_001322014.2); c.850A>C, p.Met284Leu (NM_001322015.2); short protein forms M387L, M281L, M284L, M335L, M200L, M196L, M252L, M76L.
Identifiers: ClinVar variation 230193 (VCV000230193.13), dbSNP rs876658440, ClinGen allele CA10578683.